The following is an entry in ClinVar:

ClinVar aggregate classification (germline): Benign. Review status: criteria provided, multiple submitters, no conflicts (2 of 4 stars). 3 submissions from 3 submitters: Benign (3). Last evaluated 2024-01-24.

Allele frequency attached by ClinVar (database versions not stated): 1000 Genomes Project 30x 0.16849; 1000 Genomes Project 0.16893; TOPMed 0.19859; ESP Exome Variant Server 0.20201; gnomAD 0.20268 and 0.20529.
gnomAD v4.1: 323,428 of 1,478,440 alleles (22%); highest among the groups gnomAD compares: Admixed American, 24%; 36,643 homozygotes.

Submissions (3):

Unidad de Genómica Garrahan, Hospital de Pediatría Garrahan
Classification: Benign. Last evaluated: 2024-01-24. Review status: criteria provided, single submitter. Criteria: ACMG Guidelines, 2015. Collection method: clinical testing. Allele origin: germline. Affected: no. Observed: 48 variant alleles.
Comment: This variant is classified as Benign based on local population frequency. This variant was detected in 51% of patients studied by a panel of primary immunodeficiencies. Number of patients: 48. Only high quality variants are reported.

GeneDx
Classification: Benign. Last evaluated: 2018-07-09. Review status: criteria provided, single submitter. Criteria: GeneDx Variant Classification Process June 2021. Collection method: clinical testing. Allele origin: germline. Affected: yes.

Breakthrough Genomics
Classification: Benign. Review status: criteria provided, single submitter. Criteria: ACMG Guidelines, 2015. Collection method: not provided. Allele origin: germline. Inheritance: Autosomal recessive inheritance. Affected: yes.

NM_020458.4(TTC7A):c.1920-45C>G

Gene: TTC7A (tetratricopeptide repeat domain 7A; plus strand). Cytogenetic location: 2p21.
Variant type: single nucleotide variant.
Coding change: c.1920-45C>G on transcript NM_020458.4 (MANE Select); 45 bases into the intron before coding-DNA position 1920, C replaced by G.
Molecular consequence: intron variant.
Genome position (GRCh38, 1-based): chr2:47,049,904, C>G. VCF-style: chr2-47049904-C-G. GRCh37 (hg19) VCF-style: chr2-47277043-C-G.
Other names: c.1818-45C>G (NM_001288953.2); c.1992-45C>G (NM_001288951.2); c.858-45C>G (NM_001288955.2).
Identifiers: ClinVar variation 1239114 (VCV001239114.6), dbSNP rs2304287, ClinGen allele CA1647931.